The following is an entry in ClinVar:

NM_018127.7(ELAC2):c.240C>T (p.Phe80=)

Gene: ELAC2 (elaC ribonuclease Z 2; minus strand). Cytogenetic location: 17p12.
Variant type: single nucleotide variant.
Coding change: c.240C>T on transcript NM_018127.7 (MANE Select); coding-DNA position 240, C replaced by T.
Protein change: p.Phe80=; no amino-acid change (phenylalanine 80 retained).
Molecular consequence: synonymous variant.
Genome position (GRCh38, 1-based): chr17:13,017,708, G>A on the plus strand (C>T on the coding strand, the complement: ELAC2 is on the minus strand). VCF-style: chr17-13017708-G-A. GRCh37 (hg19) VCF-style: chr17-12921025-G-A.
Other names: c.240C>T, p.Phe80= (NM_001165962.2, NM_173717.2).
Identifiers: ClinVar variation 415250 (VCV000415250.10), dbSNP rs764484752, ClinGen allele CA8401798.
Genomic context (GRCh38, chr17:13,017,708, plus strand): 5'-AGAGGCTGCGCCGCACTGAGGGCCCAGCGGGACGGGGCGTGGCTCGTTGACTGACCGGTT[G>A]AACTCGGAGAAGACGTAGAGCGCGGCGCCCGAGTCCCGGCTACCCGCTGCCACCACCTGC-3'
Protein context (NP_060597.4, residues 70-90): SGAALYVFSE[Phe80=]NRYLFNCGEG

ClinVar aggregate classification (germline): Likely benign. Review status: criteria provided, single submitter (1 of 4 stars). 2 submissions from 2 submitters: Likely benign (1). 1 of the submissions does not count toward it. Last evaluated 2025-11-03.

Conditions:
ELAC2-related disorder. Also called: ELAC2-related condition.
Combined oxidative phosphorylation defect type 17. Also called: Combined oxidative phosphorylation deficiency 17. Identifiers: Orphanet 369913, MedGen C3809526, MONDO:0014190, OMIM 615440.

Allele frequency attached by ClinVar (database versions not stated): ExAC 0.00002; gnomAD exomes 0.00004; TOPMed 0.00004.
gnomAD v4.1: 18 of 1,612,980 alleles (0.0011%); highest among the groups gnomAD compares: Admixed American, 0.015%; no homozygotes.

Submissions (2):

Labcorp Genetics (formerly Invitae), Labcorp
Classification: Likely benign for Combined oxidative phosphorylation defect type 17. Last evaluated: 2025-11-03. Review status: criteria provided, single submitter. Criteria: Invitae Variant Classification Sherloc (09022015). Collection method: clinical testing. Allele origin: germline.

PreventionGenetics, part of Exact Sciences
Classification: Likely benign for ELAC2-related condition. Last evaluated: 2020-03-23. Review status: no assertion criteria provided. Collection method: clinical testing. Allele origin: germline. Not counted in ClinVar's aggregate classification.
Comment: This variant is classified as likely benign based on ACMG/AMP sequence variant interpretation guidelines (Richards et al. 2015 PMID: 25741868, with internal and published modifications).